The following is an entry in ClinVar:

ClinVar aggregate classification (germline): Likely benign. Review status: criteria provided, single submitter (1 of 4 stars). 2 submissions from 2 submitters: Likely benign (1). 1 of the submissions does not count toward it. Last evaluated 2020-06-24.

Conditions:
Polycystic kidney disease. Also called: Kidney, Polycystic; Polycystic kidney dysplasia. Identifiers: MedGen C0022680, MeSH D007690, MONDO:0020642, HP:0000113.

Allele frequency attached by ClinVar (database versions not stated): gnomAD exomes below 0.00001; TOPMed below 0.00001.
gnomAD v4.1: 3 of 1,563,240 alleles (0.00019%); highest among the groups gnomAD compares: East Asian, 0.0024%; no homozygotes.

Submissions (3):

Blueprint Genetics
Classification: Likely benign. Last evaluated: 2020-06-24. Review status: criteria provided, single submitter. Criteria: ACMG Guidelines, 2015. Collection method: clinical testing. Allele origin: germline.

Department of Pathology and Laboratory Medicine, Sinai Health System
Classification: Uncertain significance for Polycystic Kidney disease. Review status: no assertion criteria provided. Collection method: clinical testing. Allele origin: unknown. Affected: yes. Study: The Canadian Open Genetics Repository (COGR). Not counted in ClinVar's aggregate classification.
Comment: The PKD1 p.Ala692= variant was not identified in the literature nor was it identified in the ClinVar, LOVD 3.0, ADPKD Mutation Database, or PKD1-LOVD. The variant was identified in dbSNP (ID: rs1317987043). The variant was identified in control databases in 1 of 151442 chromosomes at a frequency of 0.000007 (Genome Aggregation Database Feb 27, 2017). The variant was observed in the European population in 1 of 58272 chromosomes (freq: 0.000017), but not in the African, Other, Latino, Ashkenazi Jewish, East Asian, Finnish, and South Asian populations. The p.Ala692= variant is not expected to have clinical significance because it does not result in a change of amino acid and is not located in a known consensus splice site. The variant occurs outside of the splicing consensus sequence and 4 of 4 in silico or computational prediction software programs (SpliceSiteFinder, MaxEntScan, NNSPLICE, GeneSplicer) predict a greater than 10% difference in splicing. However, this information is not predictive enough to assume pathogenicity. In summary, based on the above information the clinical significance of this variant cannot be determined with certainty at this time. This variant is classified as a variant of uncertain significance.

Dr. Peter K. Rogan Lab, Western University
No classification provided (evidence only). Condition: Gastric cancer. Review status: no classification provided. Collection method: in vitro. Allele origin: not applicable. Functional consequence: retained intron. Not counted in ClinVar's aggregate classification.

NM_001009944.3(PKD1):c.2076G>A (p.Ala692=)

Gene: PKD1 (polycystin 1, transient receptor potential channel interacting; minus strand). Cytogenetic location: 16p13.3.
Variant type: single nucleotide variant.
Coding change: c.2076G>A on transcript NM_001009944.3 (MANE Select); coding-DNA position 2076, G replaced by A.
Protein change: p.Ala692=; no amino-acid change (alanine 692 retained).
Molecular consequence: synonymous variant.
Genome position (GRCh38, 1-based): chr16:2,115,399, C>T on the plus strand (G>A on the coding strand, the complement: PKD1 is on the minus strand). VCF-style: chr16-2115399-C-T. GRCh37 (hg19) VCF-style: chr16-2165400-C-T.
Other names: NC_000016.9:g.2165400C>T; c.2076G>A, p.Ala692= (NM_000296.4).
Identifiers: ClinVar variation 997316 (VCV000997316.3), dbSNP rs1317987043, ClinGen allele CA493049498.
Genomic context (GRCh38, chr16:2,115,399, plus strand): 5'-AGGAGATGCAGGGAACAGACCCAGGTCAGGGCCACACACCGAGTACTGCGCGGGGGGCCC[C>T]GCGGGAACGGAGAAGAGGAACTCTCTCCATAGCGCATAGGGGGCCCCGGGTAGCCCTGGC-3'
Protein context (NP_001009944.3, residues 682-702): LWREFLFSVP[Ala692=]GPPAQYSVTL